The following is an entry in ClinVar:

NM_022124.6(CDH23):c.8710G>T (p.Val2904Phe)

Gene: CDH23 (cadherin related 23; plus strand). Cytogenetic location: 10q22.1.
Variant type: single nucleotide variant.
Coding change: c.8710G>T on transcript NM_022124.6 (MANE Select); coding-DNA position 8710, G replaced by T.
Protein change: p.Val2904Phe; replaces valine 2904 with phenylalanine.
Molecular consequence: missense variant.
Genome position (GRCh38, 1-based): chr10:71,807,995, G>T. VCF-style: chr10-71807995-G-T. GRCh37 (hg19) VCF-style: chr10-73567752-G-T.
Other names: c.8710G>T (NM_022124.5); c.1990G>T, p.Val664Phe (NM_001171933.1, NM_001171934.1); short protein forms V664F, V2904F.
Identifiers: ClinVar variation 2153305 (VCV002153305.6), dbSNP rs746121407, ClinGen allele CA5546713.
Genomic context (GRCh38, chr10:71,807,995, plus strand): 5'-AGCATTCTGGCCATCCACTACTTCCGGGCCCTTGCCAACGACTCTGAAGATGTGGGCCAG[G>T]TCTTCACCATGGGTAGGGCCTGGCAGCACATGAGTGGCCTCTAGCCATGACCTCTCAGTC-3'
Protein context (NP_071407.4, residues 2894-2914): LANDSEDVGQ[Val2904Phe]FTMGSMDGIL

ClinVar aggregate classification (germline): Conflicting classifications of pathogenicity. Review status: criteria provided, conflicting classifications (1 of 4 stars). 3 submissions from 3 submitters: Uncertain significance (2); Likely benign (1). Last evaluated 2026-07-27.

Conditions:
CDH23-related disorder. Also called: CDH23-related condition; CDH23-related disorders.
Inborn genetic diseases. Identifiers: MedGen C0950123, MeSH D030342.

gnomAD v4.1: 21 of 1,588,472 alleles (0.0013%); highest among the groups gnomAD compares: East Asian, 0.037%; no homozygotes.

Submissions (3):

PreventionGenetics, part of Exact Sciences
Classification: Uncertain significance for CDH23-related condition. Last evaluated: 2026-07-27. Review status: criteria provided, single submitter. Criteria: ACMG Guidelines, 2015. Collection method: clinical testing. Allele origin: germline.
Comment: The CDH23 c.8710G>T variant is predicted to result in the amino acid substitution p.Val2904Phe. To our knowledge, this variant has not been reported in the literature. This variant is reported in 0.14% of alleles in individuals of East Asian descent in gnomAD. Although we suspect that this variant may be benign, at this time, the clinical significance of this variant is uncertain due to the absence of conclusive functional and genetic evidence.

Labcorp Genetics (formerly Invitae), Labcorp
Classification: Likely benign. Last evaluated: 2025-03-17. Review status: criteria provided, single submitter. Criteria: Invitae Variant Classification Sherloc (09022015). Collection method: clinical testing. Allele origin: germline.

Ambry Genetics
Classification: Uncertain significance for Inborn genetic diseases. Last evaluated: 2024-12-03. Review status: criteria provided, single submitter. Criteria: Ambry Variant Classification Scheme 2023. Collection method: clinical testing. Allele origin: germline.